The following is an entry in ClinVar:

NM_001003699.4(RREB1):c.4538_4555dup (p.Gly1513_Pro1518dup)

Gene: RREB1 (ras responsive element binding protein 1; plus strand). Cytogenetic location: 6p24.3.
Variant type: Duplication.
Coding change: c.4538_4555dup on transcript NM_001003699.4 (MANE Select); coding-DNA positions 4538 to 4555, 18 bases duplicated (GTGCCGGGGAGGCCCCGG).
Protein change: p.Gly1513_Pro1518dup.
Molecular consequence: inframe insertion. On other transcripts: intron variant (1).
Genome position (GRCh38, 1-based): chr6:7,246,988-7,247,005, GTGCCGGGGAGGCCCCGG duplicated; duplicating any 18 consecutive bases within chr6:7,246,980-7,247,005 gives the same sequence; the c. name uses the placement nearest the transcript's 3' end. VCF-style (leftmost placement, unchanged base first): chr6-7246979-C-CGGCCCCGGGTGCCGGGGA. GRCh37 (hg19) VCF-style: chr6-7247212-C-CGGCCCCGGGTGCCGGGGA.
Other names: c.4373_4390dup, p.Gly1458_Pro1463dup (NM_001003698.4, NM_001168344.2); c.3974-1523_3974-1506dup (NM_001003700.2); c.4538_4555dup (NM_001003699.3).
Identifiers: ClinVar variation 711674 (VCV000711674.28), dbSNP rs745663065, ClinGen allele CA3626478.

ClinVar aggregate classification (germline): Likely benign. Review status: criteria provided, multiple submitters, no conflicts (2 of 4 stars). 2 submissions from 2 submitters: Likely benign (2). Last evaluated 2026-09-01.

Submissions (2):

CeGaT Center for Human Genetics Tuebingen
Classification: Likely benign. Last evaluated: 2026-09-01. Review status: criteria provided, single submitter. Criteria: CeGaT Center For Human Genetics Tuebingen Variant Classification Criteria Version 2. Collection method: clinical testing. Allele origin: germline. Affected: yes. Observed: 2 variant alleles.
Comment: RREB1: BS1

Labcorp Genetics (formerly Invitae), Labcorp
Classification: Likely benign. Last evaluated: 2019-12-31. Review status: criteria provided, single submitter. Criteria: Invitae Variant Classification Sherloc (09022015). Collection method: clinical testing. Allele origin: germline.